The following is an entry in ClinVar:

NM_000059.4(BRCA2):c.8963G>A (p.Ser2988Asn)

Gene: BRCA2 (BRCA2 DNA repair associated; plus strand). Cytogenetic location: 13q13.1.
Variant type: single nucleotide variant.
Coding change: c.8963G>A on transcript NM_000059.4 (MANE Select); coding-DNA position 8963, G replaced by A.
Protein change: p.Ser2988Asn; replaces serine 2988 with asparagine.
Molecular consequence: missense variant.
Genome position (GRCh38, 1-based): chr13:32,379,759, G>A. VCF-style: chr13-32379759-G-A. GRCh37 (hg19) VCF-style: chr13-32953896-G-A.
Other names: short protein forms S2988N.
Identifiers: ClinVar variation 419622 (VCV000419622.24), dbSNP rs778052683, ClinGen allele CA6941324.

ClinVar aggregate classification (germline): Conflicting classifications of pathogenicity. Review status: criteria provided, conflicting classifications (1 of 4 stars). 6 submissions from 6 submitters: Uncertain significance (4); Benign (1); Likely benign (1). Last evaluated 2026-04-21.

Conditions:
Hereditary cancer-predisposing syndrome. Also called: Neoplastic Syndromes, Hereditary; Hereditary neoplastic syndrome; Tumor predisposition; Hereditary Cancer Syndrome. Identifiers: Orphanet 140162, MedGen C0027672, MeSH D009386, MONDO:0015356.
Inherited breast cancer and ovarian cancer.
Hereditary breast ovarian cancer syndrome. Also called: Hereditary breast and/or ovarian cancer syndrome; Hereditary breast and ovarian cancer syndrome (HBOC); BRCA1- and BRCA2-Associated Hereditary Breast and Ovarian Cancer; Hereditary breast and ovarian cancer; Breast and ovarian cancer; Hereditary breast and ovarian cancer syndrome. Identifiers: Orphanet 145, MedGen C0677776, MeSH D061325, MONDO:0003582. Disease mechanism: loss of function.

Allele frequency attached by ClinVar (database versions not stated): ExAC 0.00001.

Submissions (6):

Genomics and Molecular Medicine Service, East Genomic Laboratory Hub, NHS Genomic Medicine Service
Classification: Uncertain significance for Inherited breast cancer and ovarian cancer. Last evaluated: 2026-04-21. Review status: criteria provided, single submitter. Criteria: ACGS Best Practice Guidelines for Variant Classification in Rare Disease 2020. Collection method: clinical testing. Allele origin: germline. Affected: yes.
Comment: PM1_Supporting,PM2_Supporting,BS3,BP4

Labcorp Genetics (formerly Invitae), Labcorp
Classification: Likely benign for Hereditary breast ovarian cancer syndrome. Last evaluated: 2025-11-17. Review status: criteria provided, single submitter. Criteria: Invitae Variant Classification Sherloc (09022015). Collection method: clinical testing. Allele origin: germline.

Ambry Genetics
Classification: Benign for Hereditary cancer-predisposing syndrome. Last evaluated: 2025-04-01. Review status: criteria provided, single submitter. Criteria: Ambry Variant Classification Scheme 2023. Collection method: clinical testing. Allele origin: germline.

Quest Diagnostics Nichols Institute San Juan Capistrano
Classification: Uncertain significance. Last evaluated: 2024-12-04. Review status: criteria provided, single submitter. Criteria: Quest Diagnostics criteria. Collection method: clinical testing. Allele origin: unknown.
Comment: The BRCA2 c.8963G>A (p.Ser2988Asn) variant has been reported in the published literature in individuals undergoing unspecified genetic testing (PMID: 32123317 (2020), 21673748 (2011)). Functional studies demonstrated that this variant did not disrupt mRNA splicing, however additional protein functions were not assessed (PMID: 32123317 (2020), 21673748 (2011)). The frequency of this variant in the general population (Genome Aggregation Database) is uninformative in the assessment of its pathogenicity. Analysis of this variant using bioinformatics tools for the prediction of the effect of amino acid changes on protein structure and function yielded predictions that this variant is benign. Based on the available information, we are unable to determine the clinical significance of this variant.

GeneDx
Classification: Uncertain significance. Last evaluated: 2022-10-14. Review status: criteria provided, single submitter. Criteria: GeneDx Variant Classification Process June 2021. Collection method: clinical testing. Allele origin: germline. Affected: yes.
Comment: Identified in an individual meeting criteria for clinical BRCA1/2 analysis (Thery et al., 2011); In silico analysis supports that this missense variant does not alter protein structure/function; Not observed at significant frequency in large population cohorts (gnomAD); Also known as 9191G>A; This variant is associated with the following publications: (PMID: 12228710, 32123317, 32377563, 31911673, 29884841, 26913838, 21673748)

Color Diagnostics, LLC DBA Color Health
Classification: Uncertain significance for Hereditary cancer-predisposing syndrome. Last evaluated: 2019-05-08. Review status: criteria provided, single submitter. Criteria: ACMG Guidelines, 2015. Collection method: clinical testing. Allele origin: germline.

Literature cited by the submitters: PubMed 39779848 (cited by Ambry Genetics); PubMed 39779857 (cited by Ambry Genetics); PubMed 32123317 (cited by Quest Diagnostics Nichols Institute San Juan Capistrano); PubMed 21673748 (cited by Quest Diagnostics Nichols Institute San Juan Capistrano).